The following is an entry in ClinVar:

ClinVar aggregate classification (germline): Uncertain significance (1 of 4 stars; one submission).

gnomAD v4.1: 1 of 1,613,534 alleles (0.000062%); highest among the groups gnomAD compares: Admixed American, 0.0017%; no homozygotes.

Submission:

Labcorp Genetics (formerly Invitae), Labcorp
Classification: Uncertain significance. Last evaluated: 2024-10-17. Review status: criteria provided, single submitter. Criteria: Invitae Variant Classification Sherloc (09022015). Collection method: clinical testing. Allele origin: germline.
Comment: This sequence change replaces valine, which is neutral and non-polar, with phenylalanine, which is neutral and non-polar, at codon 337 of the ERCC8 protein (p.Val337Phe). This variant is present in population databases (no rsID available, gnomAD 0.003%). This variant has not been reported in the literature in individuals affected with ERCC8-related conditions. ClinVar contains an entry for this variant (Variation ID: 1951440). Invitae Evidence Modeling of protein sequence and biophysical properties (such as structural, functional, and spatial information, amino acid conservation, physicochemical variation, residue mobility, and thermodynamic stability) has been performed for this missense variant. However, the output from this modeling did not meet the statistical confidence thresholds required to predict the impact of this variant on ERCC8 protein function. In summary, the available evidence is currently insufficient to determine the role of this variant in disease. Therefore, it has been classified as a Variant of Uncertain Significance.

NM_000082.4(ERCC8):c.1009G>T (p.Val337Phe)

Gene: ERCC8 (ERCC excision repair 8, CSA ubiquitin ligase complex subunit; minus strand). Cytogenetic location: 5q12.1.
Variant type: single nucleotide variant.
Coding change: c.1009G>T on transcript NM_000082.4 (MANE Select); coding-DNA position 1009, G replaced by T.
Protein change: p.Val337Phe; replaces valine 337 with phenylalanine.
Molecular consequence: missense variant.
Genome position (GRCh38, 1-based): chr5:60,890,921, C>A on the plus strand (G>T on the coding strand, the complement: ERCC8 is on the minus strand). VCF-style: chr5-60890921-C-A. GRCh37 (hg19) VCF-style: chr5-60186748-C-A.
Other names: c.835G>T, p.Val279Phe (NM_001007233.3); c.550G>T, p.Val184Phe (NM_001290285.2); short protein forms V279F, V337F, V184F.
Identifiers: ClinVar variation 1951440 (VCV001951440.4), dbSNP rs1031250600, ClinGen allele CA359823075.